The following is an entry in ClinVar:

NM_018127.7(ELAC2):c.297-11T>C

Gene: ELAC2 (elaC ribonuclease Z 2; minus strand). Cytogenetic location: 17p12.
Variant type: single nucleotide variant.
Coding change: c.297-11T>C on transcript NM_018127.7 (MANE Select); 11 bases into the intron before coding-DNA position 297, T replaced by C.
Molecular consequence: intron variant.
Genome position (GRCh38, 1-based): chr17:13,016,943, A>G on the plus strand (T>C on the coding strand, the complement: ELAC2 is on the minus strand). VCF-style: chr17-13016943-A-G. GRCh37 (hg19) VCF-style: chr17-12920260-A-G.
Other names: c.297-11T>C (NM_001165962.1, NM_001165962.2, NM_173717.2).
Identifiers: ClinVar variation 379967 (VCV000379967.15), dbSNP rs58809197, ClinGen allele CA8401729.

ClinVar aggregate classification (germline): Benign. Review status: criteria provided, multiple submitters, no conflicts (2 of 4 stars). 6 submissions from 6 submitters: Benign (6). Last evaluated 2026-02-04.

Conditions:
Combined oxidative phosphorylation defect type 17. Also called: Combined oxidative phosphorylation deficiency 17. Identifiers: Orphanet 369913, MedGen C3809526, MONDO:0014190, OMIM 615440.
Prostate cancer, hereditary, 2 (HPC2). Identifiers: Orphanet 1331, MedGen C3539120, MONDO:0013872, OMIM 614731.

Allele frequency attached by ClinVar (database versions not stated): 1000 Genomes Project 0.20847; 1000 Genomes Project 30x 0.21315; TOPMed 0.26396; gnomAD 0.26927 and 0.27292; ExAC 0.27160; ESP Exome Variant Server 0.27234; gnomAD exomes 0.27435 and 0.29229.

Submissions (12):

Labcorp Genetics (formerly Invitae), Labcorp
Classification: Benign for Combined oxidative phosphorylation defect type 17. Last evaluated: 2026-02-04. Review status: criteria provided, single submitter. Criteria: Invitae Variant Classification Sherloc (09022015). Collection method: clinical testing. Allele origin: germline.

Blueprint Genetics
Classification: Benign. Last evaluated: 2024-11-28. Review status: criteria provided, single submitter. Criteria: ACMG Guidelines, 2015. Collection method: clinical testing. Allele origin: germline.

KCCC/NGS Laboratory, Kuwait Cancer Control Center
Classification: Benign for Prostate cancer, hereditary, 2. Last evaluated: 2023-07-07. Review status: criteria provided, single submitter. Criteria: ACMG Guidelines, 2015. Collection method: clinical testing. Allele origin: germline. Affected: yes.

Genome-Nilou Lab
Classification: Benign for Combined oxidative phosphorylation defect type 17. Last evaluated: 2021-07-30. Review status: criteria provided, single submitter. Criteria: ACMG Guidelines, 2015. Collection method: clinical testing. Allele origin: germline. Affected: no.

GeneDx
Classification: Benign. Last evaluated: 2015-12-02. Review status: criteria provided, single submitter. Criteria: GeneDx Variant Classification (06012015). Collection method: clinical testing. Allele origin: germline. Affected: yes.
Comment: This variant is considered likely benign or benign based on one or more of the following criteria: it is a conservative change, it occurs at a poorly conserved position in the protein, it is predicted to be benign by multiple in silico algorithms, and/or has population frequency not consistent with disease.

Breakthrough Genomics
Classification: Benign. Review status: criteria provided, single submitter. Criteria: ACMG Guidelines, 2015. Collection method: not provided. Allele origin: germline. Inheritance: Autosomal recessive inheritance. Affected: yes.

Dr. Peter K. Rogan Lab, Western University
No classification provided (evidence only). Condition: Familial cancer of breast. Review status: no classification provided. Collection method: in vitro. Allele origin: not applicable. Functional consequence: retained intron. Not counted in ClinVar's aggregate classification.

Dr. Peter K. Rogan Lab, Western University
No classification provided (evidence only). Condition: Familial cancer of breast. Review status: no classification provided. Collection method: in vitro. Allele origin: not applicable. Functional consequence: retained intron. Not counted in ClinVar's aggregate classification.

Dr. Peter K. Rogan Lab, Western University
No classification provided (evidence only). Condition: Malignant lymphoma, large B-cell, diffuse. Review status: no classification provided. Collection method: in vitro. Allele origin: not applicable. Functional consequence: retained intron. Not counted in ClinVar's aggregate classification.

Dr. Peter K. Rogan Lab, Western University
No classification provided (evidence only). Condition: Malignant lymphoma, large B-cell, diffuse. Review status: no classification provided. Collection method: in vitro. Allele origin: not applicable. Functional consequence: retained intron. Not counted in ClinVar's aggregate classification.

Dr. Peter K. Rogan Lab, Western University
No classification provided (evidence only). Condition: Uterine carcinosarcoma. Review status: no classification provided. Collection method: in vitro. Allele origin: not applicable. Functional consequence: retained intron. Not counted in ClinVar's aggregate classification.

Dr. Peter K. Rogan Lab, Western University
No classification provided (evidence only). Condition: Uterine carcinosarcoma. Review status: no classification provided. Collection method: in vitro. Allele origin: not applicable. Functional consequence: retained intron. Not counted in ClinVar's aggregate classification.